The following is an entry in ClinVar:

NM_139319.3(SLC17A8):c.1321A>G (p.Ile441Val)

Gene: SLC17A8 (solute carrier family 17 member 8; plus strand). Cytogenetic location: 12q23.1.
Variant type: single nucleotide variant.
Coding change: c.1321A>G on transcript NM_139319.3 (MANE Select); coding-DNA position 1321, A replaced by G.
Protein change: p.Ile441Val; replaces isoleucine 441 with valine.
Molecular consequence: missense variant.
Genome position (GRCh38, 1-based): chr12:100,418,052, A>G. VCF-style: chr12-100418052-A-G. GRCh37 (hg19) VCF-style: chr12-100811830-A-G.
Other names: c.1171A>G, p.Ile391Val (NM_001145288.2); c.1321A>G (NM_139319.2); short protein forms I391V, I441V.
Identifiers: ClinVar variation 1425847 (VCV001425847.11), dbSNP rs1168855290, ClinGen allele CA386219939.

ClinVar aggregate classification (germline): Uncertain significance. Review status: criteria provided, multiple submitters, no conflicts (2 of 4 stars). 3 submissions from 3 submitters: Uncertain significance (3). Last evaluated 2025-05-16.

Conditions:
Inborn genetic diseases. Identifiers: MedGen C0950123, MeSH D030342.
Autosomal dominant nonsyndromic hearing loss 25. Identifiers: Orphanet 90635, MedGen C1854158, MONDO:0011568, OMIM 605583.

Allele frequency attached by ClinVar (database versions not stated): gnomAD 0.00001; TOPMed 0.00001; gnomAD exomes 0.00002 and 0.00005.
gnomAD v4.1: 71 of 1,614,060 alleles (0.0044%); highest among the groups gnomAD compares: Non-Finnish European, 0.0056%; no homozygotes.

Submissions (3):

Ambry Genetics
Classification: Uncertain significance for Inborn genetic diseases. Last evaluated: 2025-05-16. Review status: criteria provided, single submitter. Criteria: Ambry Variant Classification Scheme 2023. Collection method: clinical testing. Allele origin: germline.

Labcorp Genetics (formerly Invitae), Labcorp
Classification: Uncertain significance. Last evaluated: 2024-01-04. Review status: criteria provided, single submitter. Criteria: Invitae Variant Classification Sherloc (09022015). Collection method: clinical testing. Allele origin: germline.
Comment: This sequence change replaces isoleucine, which is neutral and non-polar, with valine, which is neutral and non-polar, at codon 441 of the SLC17A8 protein (p.Ile441Val). This variant is present in population databases (no rsID available, gnomAD 0.004%). This variant has not been reported in the literature in individuals affected with SLC17A8-related conditions. ClinVar contains an entry for this variant (Variation ID: 1425847). Advanced modeling of protein sequence and biophysical properties (such as structural, functional, and spatial information, amino acid conservation, physicochemical variation, residue mobility, and thermodynamic stability) performed at Invitae indicates that this missense variant is not expected to disrupt SLC17A8 protein function with a negative predictive value of 80%. In summary, the available evidence is currently insufficient to determine the role of this variant in disease. Therefore, it has been classified as a Variant of Uncertain Significance.

Revvity Omics, Revvity
Classification: Uncertain significance for Autosomal dominant nonsyndromic hearing loss 25. Last evaluated: 2019-01-15. Review status: criteria provided, single submitter. Criteria: ACMG Guidelines, 2015. Collection method: clinical testing. Allele origin: germline.